The following is an entry in ClinVar:

ClinVar aggregate classification (germline): Uncertain significance. Review status: criteria provided, multiple submitters, no conflicts (2 of 4 stars). 2 submissions from 2 submitters: Uncertain significance (2). Last evaluated 2025-05-23.

Allele frequency attached by ClinVar (database versions not stated): gnomAD 0.00013; TOPMed 0.00015; ESP Exome Variant Server 0.00008; gnomAD exomes 0.00002.
gnomAD v4.1: 50 of 1,612,474 alleles (0.0031%); highest among the groups gnomAD compares: Admixed American, 0.043%; no homozygotes.

Submissions (2):

Ambry Genetics
Classification: Uncertain significance. Last evaluated: 2025-05-23. Review status: criteria provided, single submitter. Criteria: Ambry Variant Classification Scheme 2023. Collection method: clinical testing. Allele origin: germline.

Labcorp Genetics (formerly Invitae), Labcorp
Classification: Uncertain significance. Last evaluated: 2022-05-19. Review status: criteria provided, single submitter. Criteria: Invitae Variant Classification Sherloc (09022015). Collection method: clinical testing. Allele origin: germline.
Comment: This variant is present in population databases (rs374452928, gnomAD 0.03%). This sequence change replaces alanine, which is neutral and non-polar, with threonine, which is neutral and polar, at codon 1391 of the DSCAML1 protein (p.Ala1391Thr). This variant has not been reported in the literature in individuals affected with DSCAML1-related conditions. Algorithms developed to predict the effect of missense changes on protein structure and function (SIFT, PolyPhen-2, Align-GVGD) all suggest that this variant is likely to be disruptive. In summary, the available evidence is currently insufficient to determine the role of this variant in disease. Therefore, it has been classified as a Variant of Uncertain Significance.

NM_020693.4(DSCAML1):c.3991G>A (p.Ala1331Thr)

Gene: DSCAML1 (DS cell adhesion molecule like 1; minus strand). Cytogenetic location: 11q23.3.
Variant type: single nucleotide variant.
Coding change: c.3991G>A on transcript NM_020693.4 (MANE Select); coding-DNA position 3991, G replaced by A.
Protein change: p.Ala1331Thr; replaces alanine 1331 with threonine.
Molecular consequence: missense variant.
Genome position (GRCh38, 1-based): chr11:117,439,419, C>T on the plus strand (G>A on the coding strand, the complement: DSCAML1 is on the minus strand). VCF-style: chr11-117439419-C-T. GRCh37 (hg19) VCF-style: chr11-117310135-C-T.
Other names: c.4171G>A (NM_020693.2); short protein forms A1331T.
Identifiers: ClinVar variation 2060996 (VCV002060996.5), dbSNP rs374452928, ClinGen allele CA229403944.